The following is an entry in ClinVar:

ClinVar aggregate classification (germline): Pathogenic/Likely pathogenic. Review status: criteria provided, multiple submitters, no conflicts (2 of 4 stars). 3 submissions from 3 submitters: Pathogenic (1); Likely pathogenic (2). Last evaluated 2025-11-12.

Conditions:
Autosomal recessive nonsyndromic hearing loss 77. Identifiers: Orphanet 90636, MedGen C2746083, MONDO:0013119, OMIM 613079.

Submissions (3):

Natera, Inc.
Classification: Likely pathogenic for Autosomal recessive deafness type 77. Last evaluated: 2025-11-12. Review status: criteria provided, single submitter. Criteria: Natera Variant Classification Schema (03/2026). Collection method: clinical testing. Allele origin: germline.
Comment: The c.5788_5789delAG variant in LOXHD1 is a frameshift variant predicted to shift the reading frame and introduce a stop codon. This variant is expected to result in nonsense mediated decay, truncation, or a dysfunctional protein product. This variant is rare in the general population with a frequency below the threshold expected for the associated phenotype(s). Given the available evidence, this variant is classified as Likely Pathogenic.

Labcorp Genetics (formerly Invitae), Labcorp
Classification: Pathogenic. Last evaluated: 2023-04-07. Review status: criteria provided, single submitter. Criteria: Invitae Variant Classification Sherloc (09022015). Collection method: clinical testing. Allele origin: germline.
Comment: This variant is not present in population databases (gnomAD no frequency). This variant has not been reported in the literature in individuals affected with LOXHD1-related conditions. For these reasons, this variant has been classified as Pathogenic. This sequence change creates a premature translational stop signal (p.Ser1930*) in the LOXHD1 gene. It is expected to result in an absent or disrupted protein product. Loss-of-function variants in LOXHD1 are known to be pathogenic (PMID: 19732867, 21465660, 25792669).

Institute of Medical Genetics and Applied Genomics, University Hospital Tübingen
Classification: Likely pathogenic. Last evaluated: 2020-10-23. Review status: criteria provided, single submitter. Criteria: ACMG Guidelines, 2015. Collection method: clinical testing. Allele origin: germline. Inheritance: Autosomal recessive inheritance. Affected: yes.

Literature cited by the submitters: PubMed 19732867 (cited by Labcorp Genetics (formerly Invitae), Labcorp); PubMed 21465660 (cited by Labcorp Genetics (formerly Invitae), Labcorp); PubMed 25792669 (cited by Labcorp Genetics (formerly Invitae), Labcorp).

NM_001384474.1(LOXHD1):c.5974_5975del (p.Lys1991_Ser1992insTer)

Gene: LOXHD1 (lipoxygenase homology PLAT domains 1; minus strand). Cytogenetic location: 18q21.1.
Variant type: Microsatellite.
Coding change: c.5974_5975del on transcript NM_001384474.1 (MANE Select); coding-DNA positions 5974 to 5975, 2 bases deleted (AG; older notation c.5974_5975delAG).
Protein change: p.Lys1991_Ser1992insTer.
Molecular consequence: nonsense.
Genome position (GRCh38, 1-based): chr18:46,489,046-46,489,047, CT deleted on the plus strand (AG on the coding strand, the reverse complement: LOXHD1 is on the minus strand); deleting any 2 consecutive bases within chr18:46,489,046-46,489,049 gives the same sequence; the c. name uses the placement nearest the transcript's 3' end. VCF-style (leftmost placement, unchanged base first): chr18-46489045-ACT-A. GRCh37 (hg19) VCF-style: chr18-44069008-ACT-A.
Other names: c.2641_2642del, p.Lys880_Ser881insTer (NM_001145472.3); c.691_692del, p.Lys230_Ser231insTer (NM_001145473.3, NM_001173129.2); c.2353_2354del, p.Lys784_Ser785insTer (NM_001308013.2); c.5788_5789del, p.Lys1929_Ser1930insTer (NM_144612.7); c.5788_5789delAG (NM_144612.6).
Identifiers: ClinVar variation 986945 (VCV000986945.6), dbSNP rs2033274775, ClinGen allele CA2300855741.